The following is an entry in ClinVar:

NM_006063.3(KLHL41):c.1794A>C (p.Leu598Phe)

Gene: KLHL41 (kelch like family member 41; plus strand). Cytogenetic location: 2q31.1.
Variant type: single nucleotide variant.
Coding change: c.1794A>C on transcript NM_006063.3 (MANE Select); coding-DNA position 1794, A replaced by C.
Protein change: p.Leu598Phe; replaces leucine 598 with phenylalanine.
Molecular consequence: missense variant.
Genome position (GRCh38, 1-based): chr2:169,525,669, A>C. VCF-style: chr2-169525669-A-C. GRCh37 (hg19) VCF-style: chr2-170382179-A-C.
Other names: short protein forms L598F.
Identifiers: ClinVar variation 1447047 (VCV001447047.7), dbSNP rs893355163, ClinGen allele CA59951471.

ClinVar aggregate classification (germline): Uncertain significance. Review status: criteria provided, multiple submitters, no conflicts (2 of 4 stars). 2 submissions from 2 submitters: Uncertain significance (2). Last evaluated 2024-09-20.

Conditions:
Nemaline myopathy 9 (NEM9). Identifiers: MedGen C3810384, MONDO:0014326, OMIM 615731.

Allele frequency attached by ClinVar (database versions not stated): gnomAD exomes below 0.00001; TOPMed 0.00002; gnomAD 0.00001.
gnomAD v4.1: 4 of 1,609,380 alleles (0.00025%); highest among the groups gnomAD compares: African/African-American, 0.0053%; no homozygotes.

Submissions (2):

Revvity Omics, Revvity
Classification: Uncertain significance for Nemaline myopathy 9. Last evaluated: 2024-09-20. Review status: criteria provided, single submitter. Criteria: ACMG Guidelines, 2015. Collection method: clinical testing. Allele origin: germline.

Labcorp Genetics (formerly Invitae), Labcorp
Classification: Uncertain significance for Nemaline myopathy 9. Last evaluated: 2022-02-04. Review status: criteria provided, single submitter. Criteria: Invitae Variant Classification Sherloc (09022015). Collection method: clinical testing. Allele origin: germline.
Comment: This sequence change replaces leucine, which is neutral and non-polar, with phenylalanine, which is neutral and non-polar, at codon 598 of the KLHL41 protein (p.Leu598Phe). This variant is not present in population databases (gnomAD no frequency). This variant has not been reported in the literature in individuals affected with KLHL41-related conditions. Algorithms developed to predict the effect of missense changes on protein structure and function output the following: SIFT: "Deleterious"; PolyPhen-2: "Possibly Damaging"; Align-GVGD: "Class C15". The phenylalanine amino acid residue is found in multiple mammalian species, which suggests that this missense change does not adversely affect protein function. In summary, the available evidence is currently insufficient to determine the role of this variant in disease. Therefore, it has been classified as a Variant of Uncertain Significance.